The following is an entry in ClinVar:

ClinVar aggregate classification (germline): Uncertain significance (1 of 4 stars; one submission).

Conditions:
Noonan syndrome 9 (NS9). Identifiers: Orphanet 648, MedGen C4225282, MONDO:0014691, OMIM 616559.

Submission:

Labcorp Genetics (formerly Invitae), Labcorp
Classification: Uncertain significance for Noonan syndrome 9. Last evaluated: 2022-02-17. Review status: criteria provided, single submitter. Criteria: Invitae Variant Classification Sherloc (09022015). Collection method: clinical testing. Allele origin: germline.
Comment: In summary, the available evidence is currently insufficient to determine the role of this variant in disease. Therefore, it has been classified as a Variant of Uncertain Significance. Advanced modeling of protein sequence and biophysical properties (such as structural, functional, and spatial information, amino acid conservation, physicochemical variation, residue mobility, and thermodynamic stability) performed at Invitae indicates that this missense variant is not expected to disrupt SOS2 protein function. This variant has not been reported in the literature in individuals affected with SOS2-related conditions. This variant is not present in population databases (gnomAD no frequency). This sequence change replaces glutamic acid, which is acidic and polar, with glycine, which is neutral and non-polar, at codon 188 of the SOS2 protein (p.Glu188Gly).

NM_006939.4(SOS2):c.563A>G (p.Glu188Gly)

Gene: SOS2 (SOS Ras/Rho guanine nucleotide exchange factor 2; minus strand). Cytogenetic location: 14q21.3.
Variant type: single nucleotide variant.
Coding change: c.563A>G on transcript NM_006939.4 (MANE Select); coding-DNA position 563, A replaced by G.
Protein change: p.Glu188Gly; replaces glutamic acid 188 with glycine.
Molecular consequence: missense variant.
Genome position (GRCh38, 1-based): chr14:50,188,648, T>C on the plus strand (A>G on the coding strand, the complement: SOS2 is on the minus strand). VCF-style: chr14-50188648-T-C. GRCh37 (hg19) VCF-style: chr14-50655366-T-C.
Other names: c.563A>G, p.Glu188Gly (NM_001411020.1); short protein forms E188G.
Identifiers: ClinVar variation 2091503 (VCV002091503.4), dbSNP rs2503134271, ClinGen allele CA389648258.
Genomic context (GRCh38, chr14:50,188,648, plus strand): 5'-GCGATTTCAGTTCTGACAAGATCATAGTAGTTTAATTCACCAGAAGAACTAGGTTCATCT[T>C]CACAGAGAGAAACCAAACCTATGTCATCCTGATCAAACATGTCCATCAAAACCTGAGAAA-3'
Protein context (NP_008870.2, residues 178-198): QDDIGLVSLC[Glu188Gly]DEPSSSGELN